The following is an entry in ClinVar:

NM_004006.3(DMD):c.1603-6C>T

Gene: DMD (dystrophin; minus strand). Cytogenetic location: Xp21.1.
Variant type: single nucleotide variant.
Coding change: c.1603-6C>T on transcript NM_004006.3 (MANE Select); 6 bases into the intron before coding-DNA position 1603, C replaced by T.
Molecular consequence: intron variant.
Genome position (GRCh38, 1-based): chrX:32,573,852, G>A on the plus strand (C>T on the coding strand, the complement: DMD is on the minus strand). VCF-style: chrX-32573852-G-A. GRCh37 (hg19) VCF-style: chrX-32591969-G-A.
Other names: c.1579-6C>T (NM_000109.4); c.1591-6C>T (NM_004009.3); c.1234-6C>T (NM_004010.3).
Identifiers: ClinVar variation 499671 (VCV000499671.18), dbSNP rs774626474, ClinGen allele CA10379782.

ClinVar aggregate classification (germline): Conflicting classifications of pathogenicity. Review status: criteria provided, conflicting classifications (1 of 4 stars). 4 submissions from 4 submitters: Uncertain significance (1); Likely benign (1). 2 of the submissions do not count toward it. Last evaluated 2026-01-19.

Conditions:
Duchenne muscular dystrophy (DMD). Also called: MUSCULAR DYSTROPHY, PSEUDOHYPERTROPHIC PROGRESSIVE, DUCHENNE TYPE; Duchenne Muscular Dystrophy (DMD). Identifiers: Orphanet 98896, MedGen C0013264, MONDO:0010679, OMIM 310200.
DMD-related disorder. Also called: DMD-related condition.
Cardiomyopathy (CMYO). Also called: Cardiomyopathies. Identifiers: Orphanet 167848, MedGen C0878544, MONDO:0004994, HP:0001638. Inheritance: Various modes of inheritance.
Becker muscular dystrophy (BMD). Also called: MUSCULAR DYSTROPHY, PSEUDOHYPERTROPHIC PROGRESSIVE, BECKER TYPE; Becker Muscular Dystrophy (BMD). Identifiers: Orphanet 98895, MedGen C0917713, MONDO:0010311, OMIM 300376.
Dystrophin deficiency.

Allele frequency attached by ClinVar (database versions not stated): gnomAD exomes 0.00002 and 0.00010; TOPMed 0.00003; gnomAD 0.00004; ExAC 0.00008.
gnomAD v4.1: 22 of 1,188,871 alleles (0.0019%); highest among the groups gnomAD compares: Admixed American, 0.046%; no homozygotes.

Submissions (4):

Labcorp Genetics (formerly Invitae), Labcorp
Classification: Likely benign for Duchenne muscular dystrophy. Last evaluated: 2026-01-19. Review status: criteria provided, single submitter. Criteria: Invitae Variant Classification Sherloc (09022015). Collection method: clinical testing. Allele origin: germline.

Eurofins Ntd Llc (ga)
Classification: Uncertain significance. Last evaluated: 2017-01-09. Review status: criteria provided, single submitter. Criteria: EGL Classification Definitions 2015. Collection method: clinical testing. Allele origin: germline. Observed: 1 variant allele, 1 heterozygote.

Natera, Inc.
Classification: Likely benign for Becker muscular dystrophy; Cardiomyopathy; Duchenne muscular dystrophy; Dystrophin deficiency. Last evaluated: 2021-03-08. Review status: no assertion criteria provided. Collection method: clinical testing. Allele origin: germline. Not counted in ClinVar's aggregate classification.

PreventionGenetics, part of Exact Sciences
Classification: Likely benign for DMD-related condition. Last evaluated: 2020-02-25. Review status: no assertion criteria provided. Collection method: clinical testing. Allele origin: germline. Not counted in ClinVar's aggregate classification.
Comment: This variant is classified as likely benign based on ACMG/AMP sequence variant interpretation guidelines (Richards et al. 2015 PMID: 25741868, with internal and published modifications).